The following is an entry in ClinVar:

ClinVar aggregate classification (germline): Uncertain significance (1 of 4 stars; one submission).

Submission:

GeneDx
Classification: Uncertain significance. Last evaluated: 2025-07-17. Review status: criteria provided, single submitter. Criteria: GeneDx Variant Classification Process June 2021. Collection method: clinical testing. Allele origin: germline. Affected: yes.
Comment: Not observed at significant frequency in large population cohorts (gnomAD); In silico analysis supports that this missense variant has a deleterious effect on protein structure/function; Has not been previously published as pathogenic or benign to our knowledge

NM_001042681.2(RERE):c.1619G>A (p.Gly540Asp)

Gene: RERE (arginine-glutamic acid dipeptide repeats; minus strand). Cytogenetic location: 1p36.23.
Variant type: single nucleotide variant.
Coding change: c.1619G>A on transcript NM_001042681.2 (MANE Select); coding-DNA position 1619, G replaced by A.
Protein change: p.Gly540Asp; replaces glycine 540 with aspartic acid.
Molecular consequence: missense variant. On other transcripts: 5 prime UTR variant (1).
Genome position (GRCh38, 1-based): chr1:8,364,177, C>T on the plus strand (G>A on the coding strand, the complement: RERE is on the minus strand). VCF-style: chr1-8364177-C-T. GRCh37 (hg19) VCF-style: chr1-8424237-C-T.
Other names: c.-44G>A (NM_001042682.2); c.1619G>A, p.Gly540Asp (NM_012102.4); short protein forms G540D.
Identifiers: ClinVar variation 4686441 (VCV004686441.1).